The following is an entry in ClinVar:

ClinVar aggregate classification (germline): Likely pathogenic. Review status: criteria provided, multiple submitters, no conflicts (2 of 4 stars). 2 submissions from 2 submitters: Likely pathogenic (2). Last evaluated 2025-07-14.

Conditions:
Hemolytic uremic syndrome, atypical, susceptibility to, 1. Also called: AHUS, SUSCEPTIBILITY TO, 1. Identifiers: Orphanet 2134, Orphanet 90038, MedGen C2749604, MONDO:0009335, OMIM 235400. Disease mechanism: Other.
Basal laminar drusen. Also called: DRUSEN OF BRUCH MEMBRANE; DRUSEN, CUTICULAR; DRUSEN, EARLY ADULT-ONSET, GROUPED. Identifiers: Orphanet 75376, MedGen C0730295, MONDO:0007472, OMIM 126700.
Factor H deficiency (CFHD). Also called: COMPLEMENT FACTOR H DEFICIENCY; CFH DEFICIENCY. Identifiers: Orphanet 200421, MedGen C0398777, MONDO:0012350, OMIM 609814.
Age related macular degeneration 4. Identifiers: MedGen C1853147, MONDO:0012540, OMIM 610698.

Submissions (2):

Mayo Clinic Laboratories, Mayo Clinic
Classification: Likely pathogenic. Last evaluated: 2025-07-14. Review status: criteria provided, single submitter. Criteria: ACMG Guidelines, 2015. Collection method: clinical testing. Allele origin: germline. Observed: 1 variant allele.
Comment: PM2_supporting, PVS1

Fulgent Genetics
Classification: Likely pathogenic for Basal laminar drusen; Hemolytic uremic syndrome, atypical, susceptibility to, 1; Factor H deficiency; Age related macular degeneration 4. Last evaluated: 2024-04-23. Review status: criteria provided, single submitter. Criteria: ACMG Guidelines, 2015. Collection method: clinical testing. Allele origin: germline.

NM_000186.4(CFH):c.1337-2A>G

Gene: CFH (complement factor H; plus strand). Cytogenetic location: 1q31.3.
Variant type: single nucleotide variant.
Coding change: c.1337-2A>G on transcript NM_000186.4 (MANE Select); the canonical splice acceptor site of the intron before coding-DNA position 1337, A replaced by G.
Molecular consequence: splice acceptor variant.
Genome position (GRCh38, 1-based): chr1:196,713,733, A>G. VCF-style: chr1-196713733-A-G. GRCh37 (hg19) VCF-style: chr1-196682863-A-G.
Identifiers: ClinVar variation 3575324 (VCV003575324.2).